The following is an entry in ClinVar:

ClinVar aggregate classification (germline): Likely benign (0 of 4 stars; one submission).

Conditions:
DGKA-related disorder. Also called: DGKA-related condition.

Allele frequency attached by ClinVar (database versions not stated): gnomAD 0.00001; ExAC 0.00002; TOPMed 0.00002.
gnomAD v4.1: 10 of 1,613,998 alleles (0.00062%); highest among the groups gnomAD compares: Admixed American, 0.0067%; no homozygotes.

Submission:

PreventionGenetics, part of Exact Sciences
Classification: Likely benign for DGKA-related condition. Last evaluated: 2019-08-12. Review status: no assertion criteria provided. Collection method: clinical testing. Allele origin: germline.
Comment: This variant is classified as likely benign based on ACMG/AMP sequence variant interpretation guidelines (Richards et al. 2015 PMID: 25741868, with internal and published modifications).

NM_001345.5(DGKA):c.2124A>G (p.Thr708=)

Gene: DGKA (diacylglycerol kinase alpha; plus strand). Cytogenetic location: 12q13.2.
Variant type: single nucleotide variant.
Coding change: c.2124A>G on transcript NM_001345.5 (MANE Select); coding-DNA position 2124, A replaced by G.
Protein change: p.Thr708=; no amino-acid change (threonine 708 retained).
Molecular consequence: synonymous variant. On other transcripts: non-coding transcript variant (2).
Genome position (GRCh38, 1-based): chr12:55,953,410, A>G. VCF-style: chr12-55953410-A-G. GRCh37 (hg19) VCF-style: chr12-56347194-A-G.
Other names: c.2124A>G, p.Thr708= (NM_001351033.2, NM_001351034.2, NM_001413596.1 and 5 more transcripts); c.2238A>G, p.Thr746= (NM_001351035.1); c.1701A>G, p.Thr567= (NM_001351036.2, NM_001351037.1); c.1062A>G, p.Thr354= (NM_001351038.2, NM_001351039.2, NM_001351040.2); c.2100A>G, p.Thr700= (NM_001413599.1, NM_001413600.1, NM_001413601.1); c.2049A>G, p.Thr683= (NM_001413602.1, NM_001413603.1); c.1941A>G, p.Thr647= (NM_001413604.1).
Identifiers: ClinVar variation 3035640 (VCV003035640.2), dbSNP rs754596990, ClinGen allele CA6619748.
Genomic context (GRCh38, chr12:55,953,410, plus strand): 5'-CACCACAAAAACCCTTCCCATGCAAATTGACGGAGAACCCTGGATGCAGACGCCCTGTAC[A>G]GTGAGTATTGACGATCCCAGCCAAAAATTAAACCCTTGGGCTCCATGGATCCTAAATCCC-3'
Protein context (NP_001336.2, residues 698-718): DGEPWMQTPC[Thr708=]IKITHKNQMP